The following is an entry in ClinVar:

ClinVar aggregate classification (germline): Uncertain significance (1 of 4 stars; one submission).

Conditions:
ANK3-related disorder. Also called: ANK3-related condition.

Submission:

PreventionGenetics, part of Exact Sciences
Classification: Uncertain significance for ANK3-related condition. Last evaluated: 2026-02-28. Review status: criteria provided, single submitter. Criteria: ACMG Guidelines, 2015. Collection method: clinical testing. Allele origin: germline.
Comment: The ANK3 c.6497G>A variant is predicted to result in the amino acid substitution p.Arg2166Lys. To our knowledge, this variant has not been reported in the literature or in a large population database (gnomAD), indicating this variant is rare. At this time, the clinical significance of this variant is uncertain due to the absence of conclusive functional and genetic evidence.

NM_020987.5(ANK3):c.6497G>A (p.Arg2166Lys)

Gene: ANK3 (ankyrin 3; minus strand). Cytogenetic location: 10q21.2.
Variant type: single nucleotide variant.
Coding change: c.6497G>A on transcript NM_020987.5 (MANE Select); coding-DNA position 6497, G replaced by A.
Protein change: p.Arg2166Lys; replaces arginine 2166 with lysine.
Molecular consequence: missense variant. On other transcripts: intron variant (4).
Genome position (GRCh38, 1-based): chr10:60,074,384, C>T on the plus strand (G>A on the coding strand, the complement: ANK3 is on the minus strand). VCF-style: chr10-60074384-C-T. GRCh37 (hg19) VCF-style: chr10-61834142-C-T.
Other names: c.4387+6153G>A (NM_001204403.2); c.4408+6153G>A (NM_001204404.2); c.4405+6153G>A (NM_001320874.2); c.1807+6153G>A (NM_001149.4); short protein forms R2166K.
Identifiers: ClinVar variation 4986392 (VCV004986392.1).
Genomic context (GRCh38, chr10:60,074,384, plus strand): 5'-GTCTGGGGAACATCCCCAGCTGAGGGATCATAGCTCCTGATAACATGAACCACTTCAGTT[C>T]TTGTTTCTGTAATGACAGGAGGGATGGGAACTTCATGAAAAAGTGGTTTAGGACCAGTGC-3'
Protein context (NP_066267.2, residues 2156-2176): VPIPPVITET[Arg2166Lys]TEVVHVIRSY